The following is an entry in ClinVar:

ClinVar aggregate classification (germline): Benign/Likely benign. Review status: criteria provided, multiple submitters, no conflicts (2 of 4 stars). 3 submissions from 3 submitters: Benign (1); Likely benign (2). Last evaluated 2026-01-26.

Conditions:
Primary ciliary dyskinesia. Also called: Ciliary dyskinesia. Identifiers: Orphanet 244, MedGen C0008780, MONDO:0016575, HP:0012265.

Allele frequency attached by ClinVar (database versions not stated): gnomAD below 0.00001 and 0.00028; TOPMed 0.00005; gnomAD exomes 0.00052 and 0.00094; ExAC 0.00109; 1000 Genomes Project 30x 0.00203; 1000 Genomes Project 0.00240.
gnomAD v4.1: 794 of 1,614,166 alleles (0.049%); highest among the groups gnomAD compares: South Asian, 0.8%; 17 homozygotes.

Submissions (3):

Labcorp Genetics (formerly Invitae), Labcorp
Classification: Benign for Primary ciliary dyskinesia. Last evaluated: 2026-01-26. Review status: criteria provided, single submitter. Criteria: Invitae Variant Classification Sherloc (09022015). Collection method: clinical testing. Allele origin: germline.

CeGaT Center for Human Genetics Tuebingen
Classification: Likely benign. Last evaluated: 2022-09-01. Review status: criteria provided, single submitter. Criteria: CeGaT Center For Human Genetics Tuebingen Variant Classification Criteria Version 2. Collection method: clinical testing. Allele origin: germline. Affected: yes. Observed: 1 variant allele.
Comment: DNAH5: BP4, BP7

Ambry Genetics
Classification: Likely benign for Primary ciliary dyskinesia. Last evaluated: 2016-02-09. Review status: criteria provided, single submitter. Criteria: Ambry Variant Classification Scheme 2023. Collection method: clinical testing. Allele origin: germline.

NM_001369.3(DNAH5):c.13062G>A (p.Ala4354=)

Gene: DNAH5 (dynein axonemal heavy chain 5; minus strand). Cytogenetic location: 5p15.2.
Variant type: single nucleotide variant.
Coding change: c.13062G>A on transcript NM_001369.3 (MANE Select); coding-DNA position 13062, G replaced by A.
Protein change: p.Ala4354=; no amino-acid change (alanine 4354 retained).
Molecular consequence: synonymous variant.
Genome position (GRCh38, 1-based): chr5:13,714,468, C>T on the plus strand (G>A on the coding strand, the complement: DNAH5 is on the minus strand). VCF-style: chr5-13714468-C-T. GRCh37 (hg19) VCF-style: chr5-13714577-C-T.
Identifiers: ClinVar variation 215492 (VCV000215492.38), dbSNP rs200924641, ClinGen allele CA336209.